The following is an entry in ClinVar:

ClinVar aggregate classification (germline): Conflicting classifications of pathogenicity. Review status: criteria provided, conflicting classifications (1 of 4 stars). 7 submissions from 6 submitters: Uncertain significance (1); Benign (2); Likely benign (3). 1 of the submissions does not count toward it. Last evaluated 2026-01-11.

Conditions:
EYA1-related disorder. Also called: EYA1-related condition.
Melnick-Fraser syndrome (BOR). Also called: Branchiootorenal syndrome; Branchio-oto-renal syndrome; Branchiootorenal Syndrome (BORS). Identifiers: Orphanet 107, MedGen C0265234, MONDO:0007029.
Otofaciocervical syndrome 1 (OTFCS). Identifiers: MedGen C3714941, MONDO:0024532, OMIM 166780.
Branchiootic syndrome 1 (BOS1). Also called: BO SYNDROME 1; BRANCHIOOTIC DYSPLASIA. Identifiers: MedGen C1865143, MONDO:0011258, OMIM 602588.

Allele frequency attached by ClinVar (database versions not stated): gnomAD exomes 0.00003 and 0.00016; gnomAD 0.00007 and 0.00009; TOPMed 0.00013; ESP Exome Variant Server 0.00015; ExAC 0.00016; 1000 Genomes Project 0.00040; 1000 Genomes Project 30x 0.00047.
gnomAD v4.1: 121 of 1,614,098 alleles (0.0075%); highest among the groups gnomAD compares: East Asian, 0.089%; no homozygotes.

Submissions (7):

Labcorp Genetics (formerly Invitae), Labcorp
Classification: Likely benign for Melnick-Fraser syndrome. Last evaluated: 2026-01-11. Review status: criteria provided, single submitter. Criteria: Invitae Variant Classification Sherloc (09022015). Collection method: clinical testing. Allele origin: germline.

Blueprint Genetics
Classification: Likely benign. Last evaluated: 2024-11-08. Review status: criteria provided, single submitter. Criteria: ACMG Guidelines, 2015. Collection method: clinical testing. Allele origin: germline.

GeneDx
Classification: Likely benign. Last evaluated: 2023-05-03. Review status: criteria provided, single submitter. Criteria: GeneDx Variant Classification Process June 2021. Collection method: clinical testing. Allele origin: germline. Affected: yes.
Comment: See Variant Classification Assertion Criteria.

Illumina Laboratory Services, Illumina
Classification: Benign for Branchiootic syndrome. Last evaluated: 2018-01-12. Review status: criteria provided, single submitter. Criteria: ICSL Variant Classification Criteria 13 December 2019. Collection method: clinical testing. Allele origin: germline.
Comment: This variant was observed in the ICSL laboratory as part of a predisposition screen in an ostensibly healthy population. It had not been previously curated by ICSL or reported in the Human Gene Mutation Database (HGMD: prior to June 1st, 2018), and was therefore a candidate for classification through an automated scoring system. Utilizing variant allele frequency, disease prevalence and penetrance estimates, and inheritance mode, an automated score was calculated to assess if this variant is too frequent to cause the disease. Based on the score and internal cut-off values, a variant classified as benign is not then subjected to further curation. The score for this variant resulted in a classification of benign for this disease.

Illumina Laboratory Services, Illumina
Classification: Benign for Otofaciocervical syndrome 1. Last evaluated: 2018-01-12. Review status: criteria provided, single submitter. Criteria: ICSL Variant Classification Criteria 13 December 2019. Collection method: clinical testing. Allele origin: germline.
Comment: the same text as in the submission from Illumina Laboratory Services, Illumina above.

Laboratory for Molecular Medicine, Mass General Brigham Personalized Medicine
Classification: Uncertain significance. Last evaluated: 2016-05-21. Review status: criteria provided, single submitter. Criteria: LMM Criteria. Collection method: clinical testing. Allele origin: germline. Observed: 1 variant allele.
Comment: Variant classified as Uncertain Significance - Favor Benign. The p.Arg297Gln var iant in EYA1 has not been previously reported in individuals with hearing loss, but has been identified in 0.2% (17/8654) of East Asian chromosomes by the Exome Aggregation Consortium (ExAC; dbSNP rs148647933 ). Computational prediction tools and conservation analyses do not provide stron g support for or against an impact to the protein. In summary, while the clinica l significance of the p.Arg297Gln variant is uncertain, its frequency in the ExA C database suggests that it is more likely to be benign.

PreventionGenetics, part of Exact Sciences
Classification: Likely benign for EYA1-related condition. Last evaluated: 2021-07-26. Review status: no assertion criteria provided. Collection method: clinical testing. Allele origin: germline. Not counted in ClinVar's aggregate classification.
Comment: This variant is classified as likely benign based on ACMG/AMP sequence variant interpretation guidelines (Richards et al. 2015 PMID: 25741868, with internal and published modifications).

NM_000503.6(EYA1):c.890G>A (p.Arg297Gln)

Gene: EYA1 (EYA transcriptional coactivator and phosphatase 1; minus strand). Cytogenetic location: 8q13.3.
Variant type: single nucleotide variant.
Coding change: c.890G>A on transcript NM_000503.6 (MANE Select); coding-DNA position 890, G replaced by A.
Protein change: p.Arg297Gln; replaces arginine 297 with glutamine.
Molecular consequence: missense variant.
Genome position (GRCh38, 1-based): chr8:71,271,834, C>T on the plus strand (G>A on the coding strand, the complement: EYA1 is on the minus strand). VCF-style: chr8-71271834-C-T. GRCh37 (hg19) VCF-style: chr8-72184069-C-T.
Other names: c.872G>A, p.Arg291Gln (NM_001288574.2); c.524G>A, p.Arg175Gln (NM_001288575.2); c.977G>A, p.Arg326Gln (NM_001370333.1); c.890G>A, p.Arg297Gln (NM_001370334.1, NM_001370335.1, NM_172058.4); c.959G>A, p.Arg320Gln (NM_001370336.1); c.962G>A, p.Arg321Gln (NM_172059.5); c.890G>A (NM_172058.3); short protein forms R297Q, R291Q, R320Q, R321Q, R326Q, R175Q.
Identifiers: ClinVar variation 363653 (VCV000363653.21), dbSNP rs148647933, ClinGen allele CA4779630.